The following is an entry in ClinVar:

ClinVar aggregate classification (germline): Conflicting classifications of pathogenicity. Review status: criteria provided, conflicting classifications (1 of 4 stars). 2 submissions from 2 submitters: Uncertain significance (1); Likely benign (1). Last evaluated 2024-09-04.

Allele frequency attached by ClinVar (database versions not stated): gnomAD 0.00001; ExAC 0.00004.
gnomAD v4.1: 23 of 1,610,040 alleles (0.0014%); highest among the groups gnomAD compares: South Asian, 0.023%; no homozygotes.

Submissions (2):

GeneDx
Classification: Uncertain significance. Last evaluated: 2024-09-04. Review status: criteria provided, single submitter. Criteria: GeneDx Variant Classification Process June 2021. Collection method: clinical testing. Allele origin: germline. Affected: yes.
Comment: Not observed at significant frequency in large population cohorts (gnomAD); In silico analysis indicates that this variant does not alter splicing; Has not been previously published as pathogenic or benign to our knowledge

Labcorp Genetics (formerly Invitae), Labcorp
Classification: Likely benign. Last evaluated: 2023-06-20. Review status: criteria provided, single submitter. Criteria: Invitae Variant Classification Sherloc (09022015). Collection method: clinical testing. Allele origin: germline.

NM_024407.5(NDUFS7):c.195C>T (p.Ala65=)

Gene: NDUFS7 (NADH:ubiquinone oxidoreductase core subunit S7; plus strand). Cytogenetic location: 19p13.3.
Variant type: single nucleotide variant.
Coding change: c.195C>T on transcript NM_024407.5 (MANE Select); coding-DNA position 195, C replaced by T.
Protein change: p.Ala65=; no amino-acid change (alanine 65 retained).
Molecular consequence: synonymous variant.
Genome position (GRCh38, 1-based): chr19:1,388,905, C>T. VCF-style: chr19-1388905-C-T. GRCh37 (hg19) VCF-style: chr19-1388904-C-T.
Other names: c.195C>T (NM_024407.4); c.195C>T, p.Ala65= (NM_001363602.2).
Identifiers: ClinVar variation 2973976 (VCV002973976.4), dbSNP rs767469432, ClinGen allele CA9043143.